The following is an entry in ClinVar:

ClinVar aggregate classification (germline): Likely benign (1 of 4 stars; one submission).

Submission:

CeGaT Center for Human Genetics Tuebingen
Classification: Likely benign. Last evaluated: 2026-09-01. Review status: criteria provided, single submitter. Criteria: CeGaT Center For Human Genetics Tuebingen Variant Classification Criteria Version 2. Collection method: clinical testing. Allele origin: germline. Affected: yes. Observed: 1 variant allele.
Comment: TTN: PM2:Supporting, BP4, BP7

NM_001267550.2(TTN):c.61464G>T (p.Val20488=)

Genes: TTN (titin; minus strand), TTN-AS1 (TTN antisense RNA 1; plus strand). Cytogenetic location: 2q31.2.
Variant type: single nucleotide variant.
Coding change: c.61464G>T on transcript NM_001267550.2 (MANE Select); coding-DNA position 61464, G replaced by T.
Protein change: p.Val20488=; no amino-acid change (valine 20488 retained).
Molecular consequence: synonymous variant.
Genome position (GRCh38, 1-based): chr2:178,590,261, C>A on the plus strand (G>T on the coding strand, the complement: TTN is on the minus strand). VCF-style: chr2-178590261-C-A. GRCh37 (hg19) VCF-style: chr2-179454988-C-A.
Other names: c.34269G>T, p.Val11423= (NM_003319.4); c.53760G>T, p.Val17920= (NM_133378.4); c.34644G>T, p.Val11548= (NM_133432.3); c.34845G>T, p.Val11615= (NM_133437.4); c.56541G>T, p.Val18847= (NM_001256850.1).
Identifiers: ClinVar variation 5041537 (VCV005041537.1).